The following is an entry in ClinVar:

ClinVar aggregate classification (germline): Uncertain significance. Review status: criteria provided, multiple submitters, no conflicts (2 of 4 stars). 3 submissions from 3 submitters: Uncertain significance (3). Last evaluated 2025-12-05.

Conditions:
Inborn genetic diseases. Identifiers: MedGen C0950123, MeSH D030342.
Multiple congenital anomalies-hypotonia-seizures syndrome 1 (MCAHS1). Also called: PIGN-CDG; Congenital disorder of glycosylation due to PIGN deficiency; GLYCOSYLPHOSPHATIDYLINOSITOL BIOSYNTHESIS DEFECT 3. Identifiers: Orphanet 280633, MedGen C3279775, MONDO:0013563, OMIM 614080.

Allele frequency attached by ClinVar (database versions not stated): ExAC below 0.00001; gnomAD 0.00002; TOPMed 0.00002; gnomAD exomes 0.00003 and 0.00004.
gnomAD v4.1: 48 of 1,538,988 alleles (0.0031%); highest among the groups gnomAD compares: Non-Finnish European, 0.004%; no homozygotes.

Submissions (3):

GeneDx
Classification: Uncertain significance. Last evaluated: 2025-12-05. Review status: criteria provided, single submitter. Criteria: GeneDx Variant Classification Process June 2021. Collection method: clinical testing. Allele origin: germline. Affected: yes.
Comment: Not observed at significant frequency in large population cohorts (gnomAD); In silico analysis supports that this missense variant has a deleterious effect on protein structure/function; Has not been previously published as pathogenic or benign to our knowledge

Labcorp Genetics (formerly Invitae), Labcorp
Classification: Uncertain significance for Multiple congenital anomalies-hypotonia-seizures syndrome 1. Last evaluated: 2022-08-23. Review status: criteria provided, single submitter. Criteria: Invitae Variant Classification Sherloc (09022015). Collection method: clinical testing. Allele origin: germline.
Comment: This sequence change replaces valine, which is neutral and non-polar, with leucine, which is neutral and non-polar, at codon 373 of the PIGN protein (p.Val373Leu). Information on the frequency of this variant in the gnomAD database is not available, as this variant may be reported differently in the database. This variant has not been reported in the literature in individuals affected with PIGN-related conditions. ClinVar contains an entry for this variant (Variation ID: 588038). Experimental studies and prediction algorithms are not available or were not evaluated, and the functional significance of this variant is currently unknown. In summary, the available evidence is currently insufficient to determine the role of this variant in disease. Therefore, it has been classified as a Variant of Uncertain Significance.

Ambry Genetics
Classification: Uncertain significance for Inborn genetic diseases. Last evaluated: 2016-07-07. Review status: criteria provided, single submitter. Criteria: Ambry Variant Classification Scheme 2023. Collection method: clinical testing. Allele origin: germline.
Comment: The p.V373L variant (also known as c.1117G>T) is located in coding exon 11 of the PIGN gene. The valine at codon 373 is replaced by leucine, an amino acid with highly similar properties. This change occurs in the first base pair of coding exon 11. This variant was not reported in population based cohorts in the following databases: Database of Single Nucleotide Polymorphisms (dbSNP), NHLBI Exome Sequencing Project (ESP), and 1000 Genomes Project. In the ESP, this variant was not observed in 5682 samples (11364 alleles) with coverage at this position. This amino acid position is well conserved in available vertebrate species. In addition, this alteration is predicted to be tolerated by in silico analysis. Since supporting evidence is limited at this time, the clinical significance of this alteration remains unclear.

NM_176787.5(PIGN):c.1117G>T (p.Val373Leu)

Gene: PIGN (phosphatidylinositol glycan anchor biosynthesis class N; minus strand). Cytogenetic location: 18q21.33.
Variant type: single nucleotide variant.
Coding change: c.1117G>T on transcript NM_176787.5 (MANE Select); coding-DNA position 1117, G replaced by T.
Protein change: p.Val373Leu; replaces valine 373 with leucine.
Molecular consequence: missense variant.
Genome position (GRCh38, 1-based): chr18:62,138,298, C>A on the plus strand (G>T on the coding strand, the complement: PIGN is on the minus strand). VCF-style: chr18-62138298-C-A. GRCh37 (hg19) VCF-style: chr18-59805531-C-A.
Other names: c.1117G>T, p.Val373Leu (NM_012327.6); short protein forms V373L.
Identifiers: ClinVar variation 588038 (VCV000588038.12), dbSNP rs753687210, ClinGen allele CA8982377.